The following is an entry in ClinVar:

NM_002691.4(POLD1):c.2824C>A (p.Pro942Thr)

Gene: POLD1 (DNA polymerase delta 1, catalytic subunit; plus strand). Cytogenetic location: 19q13.33.
Variant type: single nucleotide variant.
Coding change: c.2824C>A on transcript NM_002691.4 (MANE Select); coding-DNA position 2824, C replaced by A.
Protein change: p.Pro942Thr; replaces proline 942 with threonine.
Molecular consequence: missense variant. On other transcripts: non-coding transcript variant (1).
Genome position (GRCh38, 1-based): chr19:50,416,399, C>A. VCF-style: chr19-50416399-C-A. GRCh37 (hg19) VCF-style: chr19-50919656-C-A.
Other names: c.2824C>A, p.Pro942Thr (NM_001256849.1); c.2902C>A, p.Pro968Thr (NM_001308632.1); short protein forms P942T, P968T.
Identifiers: ClinVar variation 1721080 (VCV001721080.5), dbSNP rs1203736050, ClinGen allele CA406986194.
Genomic context (GRCh38, chr19:50,416,399, plus strand): 5'-TGTCCACCCCGGTGCCCTTTCCCTGGCTGCCCGGGTGTGACTGCCATGTGGCCGCAGGAC[C>A]CGCTGTTCGTGCTGGAGCACAGCCTGCCCATTGACACGCAGTACTACCTGGAGCAGCAGC-3'
Protein context (NP_002682.2, residues 932-952): GVAAYMKSED[Pro942Thr]LFVLEHSLPI

ClinVar aggregate classification (germline): Uncertain significance (1 of 4 stars; one submission).

Conditions:
POLD1-related polyposis and colorectal cancer syndrome (CRCS10). Also called: COLORECTAL CANCER, SUSCEPTIBILITY TO, ON CHROMOSOME 19q; Colorectal cancer 10; Colorectal cancer, susceptibility to, 10. Identifiers: Orphanet 220460, MedGen C2675481, MONDO:0012953, OMIM 612591.

gnomAD v4.1: 1 of 1,549,048 alleles (0.000065%); highest among the groups gnomAD compares: Non-Finnish European, 0.000087%; no homozygotes.

Submission:

Labcorp Genetics (formerly Invitae), Labcorp
Classification: Uncertain significance for POLD1-related polyposis and colorectal cancer syndrome. Last evaluated: 2022-10-06. Review status: criteria provided, single submitter. Criteria: Invitae Variant Classification Sherloc (09022015). Collection method: clinical testing. Allele origin: germline.
Comment: This sequence change replaces proline, which is neutral and non-polar, with threonine, which is neutral and polar, at codon 942 of the POLD1 protein (p.Pro942Thr). This variant is not present in population databases (gnomAD no frequency). This variant has not been reported in the literature in individuals affected with POLD1-related conditions. Advanced modeling of protein sequence and biophysical properties (such as structural, functional, and spatial information, amino acid conservation, physicochemical variation, residue mobility, and thermodynamic stability) performed at Invitae indicates that this missense variant is expected to disrupt POLD1 protein function. In summary, the available evidence is currently insufficient to determine the role of this variant in disease. Therefore, it has been classified as a Variant of Uncertain Significance.